The following is an entry in ClinVar:

NM_170606.3(KMT2C):c.6266A>G (p.Gln2089Arg)

Gene: KMT2C (lysine methyltransferase 2C; minus strand). Cytogenetic location: 7q36.1.
Variant type: single nucleotide variant.
Coding change: c.6266A>G on transcript NM_170606.3 (MANE Select); coding-DNA position 6266, A replaced by G.
Protein change: p.Gln2089Arg; replaces glutamine 2089 with arginine.
Molecular consequence: missense variant.
Genome position (GRCh38, 1-based): chr7:152,181,594, T>C on the plus strand (A>G on the coding strand, the complement: KMT2C is on the minus strand). VCF-style: chr7-152181594-T-C. GRCh37 (hg19) VCF-style: chr7-151878679-T-C.
Other names: short protein forms Q2089R.
Identifiers: ClinVar variation 3773642 (VCV003773642.1).
Genomic context (GRCh38, chr7:152,181,594, plus strand): 5'-AAAGATTCATTCACTGCTGGATGTGGGGTAAGGGGAGGCTGACTATATGGATCATTTGAC[T>C]GATTATGAGAAAAATTATCTATAGGTCTTGGTGTCAAAGCAGGCCTTTCATAAGGGTCAA-3'
Protein context (NP_733751.2, residues 2079-2099): PRPIDNFSHN[Gln2089Arg]SNDPYSQPPL

ClinVar aggregate classification (germline): Uncertain significance (1 of 4 stars; one submission).

Conditions:
Kleefstra syndrome 2 (KLEFS2). Identifiers: MedGen C4540395, MONDO:0054701, OMIM 617768.

Submission:

Department of Human Genetics, Hannover Medical School
Classification: Uncertain significance for Kleefstra syndrome 2. Last evaluated: 2025-03-24. Review status: criteria provided, single submitter. Criteria: ACMG Guidelines, 2015. Collection method: clinical testing. Allele origin: germline. Affected: yes.
Comment: ACMG: BP4_Moderate, PM2_Supporting, PP2